The following is an entry in ClinVar:

ClinVar aggregate classification (germline): Uncertain significance (1 of 4 stars; one submission).

gnomAD v4.1: 1 of 1,614,164 alleles (0.000062%); highest among the groups gnomAD compares: Non-Finnish European, 0.000085%; no homozygotes.

Submission:

GeneDx
Classification: Uncertain significance. Last evaluated: 2023-05-18. Review status: criteria provided, single submitter. Criteria: GeneDx Variant Classification Process June 2021. Collection method: clinical testing. Allele origin: germline. Affected: yes.
Comment: Not observed at significant frequency in large population cohorts (gnomAD); In silico analysis supports that this missense variant does not alter protein structure/function; Has not been previously published as pathogenic or benign to our knowledge

NM_005909.5(MAP1B):c.4955A>T (p.Glu1652Val)

Gene: MAP1B (microtubule associated protein 1B; plus strand). Cytogenetic location: 5q13.2.
Variant type: single nucleotide variant.
Coding change: c.4955A>T on transcript NM_005909.5 (MANE Select); coding-DNA position 4955, A replaced by T.
Protein change: p.Glu1652Val; replaces glutamic acid 1652 with valine.
Molecular consequence: missense variant.
Genome position (GRCh38, 1-based): chr5:72,198,310, A>T. VCF-style: chr5-72198310-A-T. GRCh37 (hg19) VCF-style: chr5-71494137-A-T.
Other names: c.4577A>T, p.Glu1526Val (NM_001324255.2); short protein forms E1526V, E1652V.
Identifiers: ClinVar variation 3343632 (VCV003343632.1).